The following is an entry in ClinVar:

NM_000069.3(CACNA1S):c.4468C>T (p.Leu1490=)

Gene: CACNA1S (calcium voltage-gated channel subunit alpha1 S; minus strand). Cytogenetic location: 1q32.1.
Variant type: single nucleotide variant.
Coding change: c.4468C>T on transcript NM_000069.3 (MANE Select); coding-DNA position 4468, C replaced by T.
Protein change: p.Leu1490=; no amino-acid change (leucine 1490 retained).
Molecular consequence: synonymous variant.
Genome position (GRCh38, 1-based): chr1:201,047,600, G>A on the plus strand (C>T on the coding strand, the complement: CACNA1S is on the minus strand). VCF-style: chr1-201047600-G-A. GRCh37 (hg19) VCF-style: chr1-201016728-G-A.
Identifiers: ClinVar variation 541051 (VCV000541051.15), dbSNP rs149036408, ClinGen allele CA083380.
Genomic context (GRCh38, chr1:201,047,600, plus strand): 5'-TGACCTGGTCCAAGAGCTTCATGCTGGTTCTCTTCCAGATCTTCTTGATGATGGCCCTCA[G>A]CTCCTCGTTGGCCTGCTCAAAGTTACCTGGAGCAGGAGAAAGGCAAAAGTTACCCAGATC-3'
Protein context (NP_000060.2, residues 1480-1500): EGNFEQANEE[Leu1490=]RAIIKKIWKR

ClinVar aggregate classification (germline): Conflicting classifications of pathogenicity. Review status: criteria provided, conflicting classifications (1 of 4 stars). 9 submissions from 6 submitters: Uncertain significance (1); Benign (6); Likely benign (2). Last evaluated 2025-12-14.

Conditions:
Congenital myopathy 18. Also called: Myopathy, congenital, due to dihydropyridine receptor defect; DIHYDROPYRIDINE RECEPTOR CONGENITAL MYOPATHY; DHPR CONGENITAL MYOPATHY. Identifiers: MedGen C5830283, MONDO:0859514, OMIM 620246.
Hypokalemic periodic paralysis, type 1. Also called: HypoPP; Hypokalemic Periodic Paralysis Type 1 (AD). Identifiers: Orphanet 681, MedGen C3714580, MONDO:0042979, OMIM 170400.
Thyrotoxic periodic paralysis, susceptibility to, 1 (TTPP1). Identifiers: Orphanet 79102, MedGen C2749982, MONDO:0008570, OMIM 188580.
Malignant hyperthermia, susceptibility to, 5 (MHS5). Also called: CACNA1S-Related Malignant Hyperthermia Susceptibility. Identifiers: Orphanet 423, MedGen C1866077, MONDO:0011163, OMIM 601887.

Allele frequency attached by ClinVar (database versions not stated): gnomAD exomes 0.00003 and 0.00009; gnomAD 0.00006 and 0.00007; TOPMed 0.00006; ExAC 0.00012; 1000 Genomes Project 30x 0.00016; 1000 Genomes Project 0.00020.
gnomAD v4.1: 64 of 1,614,160 alleles (0.004%); highest among the groups gnomAD compares: East Asian, 0.091%; no homozygotes.

Submissions (9):

Labcorp Genetics (formerly Invitae), Labcorp
Classification: Benign for Hypokalemic periodic paralysis, type 1; Malignant hyperthermia, susceptibility to, 5. Last evaluated: 2025-12-14. Review status: criteria provided, single submitter. Criteria: Invitae Variant Classification Sherloc (09022015). Collection method: clinical testing. Allele origin: germline.

Fulgent Genetics
Classification: Uncertain significance for Hypokalemic periodic paralysis, type 1; Thyrotoxic periodic paralysis, susceptibility to, 1; Malignant hyperthermia, susceptibility to, 5; Congenital myopathy 18. Last evaluated: 2024-06-18. Review status: criteria provided, single submitter. Criteria: ACMG Guidelines, 2015. Collection method: clinical testing. Allele origin: germline.

All of Us Research Program, National Institutes of Health
Classification: Likely benign for Malignant hyperthermia, susceptibility to, 5. Last evaluated: 2024-02-05. Review status: criteria provided, single submitter. Criteria: ACMG Guidelines, 2015. Collection method: clinical testing. Allele origin: germline. Inheritance: Autosomal dominant inheritance. Observed: 9 variant alleles, 9 heterozygotes.
Comment: This study involves interpretation of variants in research participants for the purpose of population health screening. Participant phenotype was not available at the time of variant classification. Additional details can be found in publication PMID: 35346344, PMCID: PMC8962531

Genome-Nilou Lab
Classification: Benign for Malignant hyperthermia, susceptibility to, 5. Last evaluated: 2023-04-11. Review status: criteria provided, single submitter. Criteria: ACMG Guidelines, 2015. Collection method: clinical testing. Allele origin: germline. Affected: no.

Genome-Nilou Lab
Classification: Benign for Thyrotoxic periodic paralysis, susceptibility to, 1. Last evaluated: 2023-04-11. Review status: criteria provided, single submitter. Criteria: ACMG Guidelines, 2015. Collection method: clinical testing. Allele origin: germline. Affected: no.

Genome-Nilou Lab
Classification: Benign for Congenital myopathy 18. Last evaluated: 2023-04-11. Review status: criteria provided, single submitter. Criteria: ACMG Guidelines, 2015. Collection method: clinical testing. Allele origin: germline. Affected: no.

Genome-Nilou Lab
Classification: Benign for Hypokalemic periodic paralysis, type 1. Last evaluated: 2023-04-11. Review status: criteria provided, single submitter. Criteria: ACMG Guidelines, 2015. Collection method: clinical testing. Allele origin: germline. Affected: no.

Color Diagnostics, LLC DBA Color Health
Classification: Likely benign for Malignant hyperthermia, susceptibility to, 5. Last evaluated: 2022-11-06. Review status: criteria provided, single submitter. Criteria: ACMG Guidelines, 2015. Collection method: clinical testing. Allele origin: germline.

Athena Diagnostics
Classification: Benign. Last evaluated: 2018-08-03. Review status: criteria provided, single submitter. Criteria: Athena Diagnostics Criteria. Collection method: clinical testing. Allele origin: germline.